The following is an entry in ClinVar:

NM_006231.4(POLE):c.2483C>A (p.Ser828Tyr)

Gene: POLE (DNA polymerase epsilon, catalytic subunit; minus strand). Cytogenetic location: 12q24.33.
Variant type: single nucleotide variant.
Coding change: c.2483C>A on transcript NM_006231.4 (MANE Select); coding-DNA position 2483, C replaced by A.
Protein change: p.Ser828Tyr; replaces serine 828 with tyrosine.
Molecular consequence: missense variant.
Genome position (GRCh38, 1-based): chr12:132,664,448, G>T on the plus strand (C>A on the coding strand, the complement: POLE is on the minus strand). VCF-style: chr12-132664448-G-T. GRCh37 (hg19) VCF-style: chr12-133241034-G-T.
Other names: short protein forms S828Y.
Identifiers: ClinVar variation 2919517 (VCV002919517.3), dbSNP rs2042747349, ClinGen allele CA387396621.
Genomic context (GRCh38, chr12:132,664,448, plus strand): 5'-TCCCGTGCCTGGGTGATGATGTTGGCCCCTGTGAAGCAGACGATGCCAGCCATCTCCATG[G>T]AGTACCAGCGAGCCCTGAGAGGACACCACAAACTGGTGGGTGGGGCTGGCATGGCTCCTC-3'
Protein context (NP_006222.2, residues 818-838): YVMRKGARWY[Ser828Tyr]MEMAGIVCFT

ClinVar aggregate classification (germline): Uncertain significance (1 of 4 stars; one submission).

Submission:

Labcorp Genetics (formerly Invitae), Labcorp
Classification: Uncertain significance. Last evaluated: 2023-12-28. Review status: criteria provided, single submitter. Criteria: Invitae Variant Classification Sherloc (09022015). Collection method: clinical testing. Allele origin: germline.
Comment: This sequence change replaces serine, which is neutral and polar, with tyrosine, which is neutral and polar, at codon 828 of the POLE protein (p.Ser828Tyr). This variant is not present in population databases (gnomAD no frequency). This variant has not been reported in the literature in individuals affected with POLE-related conditions. Advanced modeling of protein sequence and biophysical properties (such as structural, functional, and spatial information, amino acid conservation, physicochemical variation, residue mobility, and thermodynamic stability) performed at Invitae indicates that this missense variant is expected to disrupt POLE protein function with a positive predictive value of 80%. In summary, the available evidence is currently insufficient to determine the role of this variant in disease. Therefore, it has been classified as a Variant of Uncertain Significance.